The following is an entry in ClinVar:

NM_031942.5(CDCA7):c.1322+7G>T

Gene: CDCA7 (cell division cycle associated 7; plus strand). Cytogenetic location: 2q31.1.
Variant type: single nucleotide variant.
Coding change: c.1322+7G>T on transcript NM_031942.5 (MANE Select); 7 bases into the intron after coding-DNA position 1322, G replaced by T.
Molecular consequence: intron variant.
Genome position (GRCh38, 1-based): chr2:173,367,293, G>T. VCF-style: chr2-173367293-G-T. GRCh37 (hg19) VCF-style: chr2-174232021-G-T.
Other names: c.1085+7G>T (NM_145810.3).
Identifiers: ClinVar variation 1427395 (VCV001427395.3), dbSNP rs758518370, ClinGen allele CA1971480.

ClinVar aggregate classification (germline): Uncertain significance (1 of 4 stars; one submission).

Allele frequency attached by ClinVar (database versions not stated): gnomAD 0.00001; ExAC 0.00002; gnomAD exomes 0.00002; TOPMed 0.00002.
gnomAD v4.1: 32 of 1,613,866 alleles (0.002%); highest among the groups gnomAD compares: Non-Finnish European, 0.0025%; no homozygotes.

Submission:

Labcorp Genetics (formerly Invitae), Labcorp
Classification: Uncertain significance. Last evaluated: 2022-02-09. Review status: criteria provided, single submitter. Criteria: Invitae Variant Classification Sherloc (09022015). Collection method: clinical testing. Allele origin: germline.
Comment: This sequence change falls in intron 9 of the CDCA7 gene. It does not directly change the encoded amino acid sequence of the CDCA7 protein. This variant is present in population databases (rs758518370, gnomAD 0.005%). This variant has not been reported in the literature in individuals affected with CDCA7-related conditions. Algorithms developed to predict the effect of sequence changes on RNA splicing suggest that this variant may create or strengthen a splice site. In summary, the available evidence is currently insufficient to determine the role of this variant in disease. Therefore, it has been classified as a Variant of Uncertain Significance.